The following is an entry in ClinVar:

NM_001105206.3(LAMA4):c.3365T>C (p.Leu1122Pro)

Gene: LAMA4 (laminin subunit alpha 4; minus strand). Cytogenetic location: 6q21.
Variant type: single nucleotide variant.
Coding change: c.3365T>C on transcript NM_001105206.3 (MANE Select); coding-DNA position 3365, T replaced by C.
Protein change: p.Leu1122Pro; replaces leucine 1122 with proline.
Molecular consequence: missense variant.
Genome position (GRCh38, 1-based): chr6:112,136,172, A>G on the plus strand (T>C on the coding strand, the complement: LAMA4 is on the minus strand). VCF-style: chr6-112136172-A-G. GRCh37 (hg19) VCF-style: chr6-112457374-A-G.
Other names: c.3344T>C, p.Leu1115Pro (NM_001105207.3, NM_002290.5); short protein forms L1115P, L1122P.
Identifiers: ClinVar variation 1364440 (VCV001364440.11), dbSNP rs189581734, ClinGen allele CA3965232.

ClinVar aggregate classification (germline): Uncertain significance. Review status: criteria provided, multiple submitters, no conflicts (2 of 4 stars). 2 submissions from 2 submitters: Uncertain significance (2). Last evaluated 2025-06-09.

Conditions:
Cardiovascular phenotype. Identifiers: MedGen CN230736.
Dilated cardiomyopathy 1JJ (CMD1JJ). Identifiers: Orphanet 154, MedGen C3808935, MONDO:0014095, OMIM 615235.

Allele frequency attached by ClinVar (database versions not stated): gnomAD exomes below 0.00001 and 0.00001; ExAC 0.00001; gnomAD 0.00001; TOPMed 0.00001; 1000 Genomes Project 30x 0.00016; 1000 Genomes Project 0.00020.
gnomAD v4.1: 8 of 1,612,904 alleles (0.0005%); highest among the groups gnomAD compares: Admixed American, 0.01%; no homozygotes.

Submissions (2):

Labcorp Genetics (formerly Invitae), Labcorp
Classification: Uncertain significance for Dilated cardiomyopathy 1JJ. Last evaluated: 2025-06-09. Review status: criteria provided, single submitter. Criteria: Invitae Variant Classification Sherloc (09022015). Collection method: clinical testing. Allele origin: germline.
Comment: This sequence change replaces leucine, which is neutral and non-polar, with proline, which is neutral and non-polar, at codon 1115 of the LAMA4 protein (p.Leu1115Pro). This variant is present in population databases (rs189581734, gnomAD 0.003%). This variant has not been reported in the literature in individuals affected with LAMA4-related conditions. ClinVar contains an entry for this variant (Variation ID: 1364440). Invitae Evidence Modeling of protein sequence and biophysical properties (such as structural, functional, and spatial information, amino acid conservation, physicochemical variation, residue mobility, and thermodynamic stability) indicates that this missense variant is expected to disrupt LAMA4 protein function with a positive predictive value of 80%. In summary, the available evidence is currently insufficient to determine the role of this variant in disease. Therefore, it has been classified as a Variant of Uncertain Significance.

Ambry Genetics
Classification: Uncertain significance for Cardiovascular phenotype. Last evaluated: 2024-07-17. Review status: criteria provided, single submitter. Criteria: Ambry Variant Classification Scheme 2023. Collection method: clinical testing. Allele origin: germline.